The following is an entry in ClinVar:

ClinVar aggregate classification (germline): Uncertain significance (1 of 4 stars; one submission).

Conditions:
PKD1-related disorder. Also called: PKD1-related condition.

gnomAD v4.1: 8 of 1,611,232 alleles (0.0005%); highest among the groups gnomAD compares: African/African-American, 0.0013%; no homozygotes.

Submission:

PreventionGenetics, part of Exact Sciences
Classification: Uncertain significance for PKD1-related condition. Last evaluated: 2026-07-08. Review status: criteria provided, single submitter. Criteria: ACMG Guidelines, 2015. Collection method: clinical testing. Allele origin: germline.
Comment: The PKD1 c.10186A>G variant is predicted to result in the amino acid substitution p.Met3396Val. To our knowledge, this variant has not been reported in the literature. This variant is reported in 0.00089% of alleles in individuals of European (Non-Finnish) descent in gnomAD. At this time, the clinical significance of this variant is uncertain due to the absence of conclusive functional and genetic evidence.

NM_001009944.3(PKD1):c.10186A>G (p.Met3396Val)

Gene: PKD1 (polycystin 1, transient receptor potential channel interacting; minus strand). Cytogenetic location: 16p13.3.
Variant type: single nucleotide variant.
Coding change: c.10186A>G on transcript NM_001009944.3 (MANE Select); coding-DNA position 10186, A replaced by G.
Protein change: p.Met3396Val; replaces methionine 3396 with valine.
Molecular consequence: missense variant.
Genome position (GRCh38, 1-based): chr16:2,097,762, T>C on the plus strand (A>G on the coding strand, the complement: PKD1 is on the minus strand). VCF-style: chr16-2097762-T-C. GRCh37 (hg19) VCF-style: chr16-2147763-T-C.
Other names: c.10183A>G, p.Met3395Val (NM_000296.4); short protein forms M3396V, M3395V.
Identifiers: ClinVar variation 4985786 (VCV004985786.1).